The following is an entry in ClinVar:

NM_005236.3(ERCC4):c.1549G>A (p.Glu517Lys)

Gene: ERCC4 (ERCC excision repair 4, endonuclease catalytic subunit; plus strand). Cytogenetic location: 16p13.12.
Variant type: single nucleotide variant.
Coding change: c.1549G>A on transcript NM_005236.3 (MANE Select); coding-DNA position 1549, G replaced by A.
Protein change: p.Glu517Lys; replaces glutamic acid 517 with lysine.
Molecular consequence: missense variant.
Genome position (GRCh38, 1-based): chr16:13,935,481, G>A. VCF-style: chr16-13935481-G-A. GRCh37 (hg19) VCF-style: chr16-14029338-G-A.
Other names: short protein forms E517K.
Identifiers: ClinVar variation 1037640 (VCV001037640.12), dbSNP rs150291286, ClinGen allele CA7910494.

ClinVar aggregate classification (germline): Uncertain significance. Review status: criteria provided, multiple submitters, no conflicts (2 of 4 stars). 3 submissions from 3 submitters: Uncertain significance (3). Last evaluated 2026-02-11.

Conditions:
Xeroderma pigmentosum, group F (XPF). Also called: ERCC4-Related Xeroderma Pigmentosum; XERODERMA PIGMENTOSUM, TYPE F; Xeroderma pigmentosum, type 6; XERODERMA PIGMENTOSUM VI; XP, GROUP F; XERODERMA PIGMENTOSUM, COMPLEMENTATION GROUP F. Identifiers: MedGen C0268140, MONDO:0010215, OMIM 278760.
Fanconi anemia complementation group Q. Identifiers: Orphanet 84, MedGen C3808988, MONDO:0014108, OMIM 615272.
Cockayne syndrome. Identifiers: Orphanet 191, MedGen C0009207, MONDO:0016006.

Allele frequency attached by ClinVar (database versions not stated): ExAC 0.00001; gnomAD exomes 0.00001; TOPMed 0.00003; gnomAD 0.00005; ESP Exome Variant Server 0.00008.
gnomAD v4.1: 75 of 1,614,088 alleles (0.0046%); highest among the groups gnomAD compares: Non-Finnish European, 0.0058%; no homozygotes.

Submissions (3):

St. Jude Molecular Pathology, St. Jude Children's Research Hospital
Classification: Uncertain significance for Xeroderma pigmentosum, group F. Last evaluated: 2026-02-11. Review status: criteria provided, single submitter. Criteria: St. Jude Assertion Criteria 2020. Collection method: clinical testing. Allele origin: germline.
Comment: The ERCC4 c.1549G>A p.(Glu517Lys) missense change has a maximum subpopulation frequency of 0.008% in gnomAD v2.1.1. The in silico tool REVEL predicts a benign effect on protein function, but to our knowledge this prediction has not been confirmed by functional studies. To our knowledge, this variant has not been reported in individuals with Fanconi anemia or Xeroderma pigmentosum. In summary, the evidence currently available is insufficient to determine the clinical significance of this variant. It has therefore been classified as of uncertain significance.

Labcorp Genetics (formerly Invitae), Labcorp
Classification: Uncertain significance for Fanconi anemia complementation group Q; Xeroderma pigmentosum, group F; Cockayne syndrome. Last evaluated: 2025-09-24. Review status: criteria provided, single submitter. Criteria: Invitae Variant Classification Sherloc (09022015). Collection method: clinical testing. Allele origin: germline.
Comment: This sequence change replaces glutamic acid, which is acidic and polar, with lysine, which is basic and polar, at codon 517 of the ERCC4 protein (p.Glu517Lys). This variant is present in population databases (rs150291286, gnomAD 0.008%). This variant has not been reported in the literature in individuals affected with ERCC4-related conditions. ClinVar contains an entry for this variant (Variation ID: 1037640). Invitae Evidence Modeling of protein sequence and biophysical properties (such as structural, functional, and spatial information, amino acid conservation, physicochemical variation, residue mobility, and thermodynamic stability) indicates that this missense variant is not expected to disrupt ERCC4 protein function with a negative predictive value of 80%. In summary, the available evidence is currently insufficient to determine the role of this variant in disease. Therefore, it has been classified as a Variant of Uncertain Significance.

Revvity Omics, Revvity
Classification: Uncertain significance. Last evaluated: 2021-06-23. Review status: criteria provided, single submitter. Criteria: ACMG Guidelines, 2015. Collection method: clinical testing. Allele origin: germline.